The following is an entry in ClinVar:

NM_001330311.2(DVL1):c.434G>A (p.Arg145Gln)

Gene: DVL1 (dishevelled segment polarity protein 1; minus strand). Cytogenetic location: 1p36.33.
Variant type: single nucleotide variant.
Coding change: c.434G>A on transcript NM_001330311.2 (MANE Select); coding-DNA position 434, G replaced by A.
Protein change: p.Arg145Gln; replaces arginine 145 with glutamine.
Molecular consequence: missense variant.
Genome position (GRCh38, 1-based): chr1:1,342,085, C>T on the plus strand (G>A on the coding strand, the complement: DVL1 is on the minus strand). VCF-style: chr1-1342085-C-T. GRCh37 (hg19) VCF-style: chr1-1277465-C-T.
Other names: c.434G>A, p.Arg145Gln (NM_004421.3); short protein forms R145Q.
Identifiers: ClinVar variation 4618083 (VCV004618083.2).

ClinVar aggregate classification (germline): Conflicting classifications of pathogenicity. Review status: criteria provided, conflicting classifications (1 of 4 stars). 2 submissions from 2 submitters: Uncertain significance (1); Likely benign (1). Last evaluated 2025-12-04.

Conditions:
Inborn genetic diseases. Identifiers: MedGen C0950123, MeSH D030342.

gnomAD v4.1: 12 of 1,593,294 alleles (0.00075%); highest among the groups gnomAD compares: East Asian, 0.0046%; no homozygotes.

Submissions (2):

Ambry Genetics
Classification: Likely benign for Inborn genetic diseases. Last evaluated: 2025-12-04. Review status: criteria provided, single submitter. Criteria: Ambry Variant Classification Scheme 2023. Collection method: clinical testing. Allele origin: germline.

Labcorp Genetics (formerly Invitae), Labcorp
Classification: Uncertain significance. Last evaluated: 2025-11-27. Review status: criteria provided, single submitter. Criteria: Invitae Variant Classification Sherloc (09022015). Collection method: clinical testing. Allele origin: germline.
Comment: This sequence change replaces arginine, which is basic and polar, with glutamine, which is neutral and polar, at codon 145 of the DVL1 protein (p.Arg145Gln). The frequency data for this variant in the population databases is considered unreliable, as metrics indicate poor data quality at this position in the gnomAD database. This variant has not been reported in the literature in individuals affected with DVL1-related conditions. Invitae Evidence Modeling of protein sequence and biophysical properties (such as structural, functional, and spatial information, amino acid conservation, physicochemical variation, residue mobility, and thermodynamic stability) indicates that this missense variant is not expected to disrupt DVL1 protein function with a negative predictive value of 80%. In summary, the available evidence is currently insufficient to determine the role of this variant in disease. Therefore, it has been classified as a Variant of Uncertain Significance.